The following is an entry in ClinVar:

ClinVar aggregate classification (germline): Uncertain significance. Review status: criteria provided, multiple submitters, no conflicts (2 of 4 stars). 2 submissions from 2 submitters: Uncertain significance (2). Last evaluated 2023-04-17.

Conditions:
Inborn genetic diseases. Identifiers: MedGen C0950123, MeSH D030342.

Allele frequency attached by ClinVar (database versions not stated): gnomAD 0.00001; TOPMed 0.00001.

Submissions (2):

Ambry Genetics
Classification: Uncertain significance for Inborn genetic diseases. Last evaluated: 2023-04-17. Review status: criteria provided, single submitter. Criteria: Ambry Variant Classification Scheme 2023. Collection method: clinical testing. Allele origin: germline.

Labcorp Genetics (formerly Invitae), Labcorp
Classification: Uncertain significance. Last evaluated: 2022-04-12. Review status: criteria provided, single submitter. Criteria: Invitae Variant Classification Sherloc (09022015). Collection method: clinical testing. Allele origin: germline.
Comment: This sequence change replaces methionine, which is neutral and non-polar, with isoleucine, which is neutral and non-polar, at codon 132 of the TK2 protein (p.Met132Ile). This variant is not present in population databases (gnomAD no frequency). This variant has not been reported in the literature in individuals affected with TK2-related conditions. Algorithms developed to predict the effect of missense changes on protein structure and function are either unavailable or do not agree on the potential impact of this missense change (SIFT: "Deleterious"; PolyPhen-2: "Possibly Damaging"; Align-GVGD: "Class C0"). Algorithms developed to predict the effect of sequence changes on RNA splicing suggest that this variant may create or strengthen a splice site. In summary, the available evidence is currently insufficient to determine the role of this variant in disease. Therefore, it has been classified as a Variant of Uncertain Significance.

NM_004614.5(TK2):c.396G>A (p.Met132Ile)

Gene: TK2 (thymidine kinase 2; minus strand). Cytogenetic location: 16q21.
Variant type: single nucleotide variant.
Coding change: c.396G>A on transcript NM_004614.5 (MANE Select); coding-DNA position 396, G replaced by A.
Protein change: p.Met132Ile; replaces methionine 132 with isoleucine.
Molecular consequence: missense variant. On other transcripts: non-coding transcript variant (1).
Genome position (GRCh38, 1-based): chr16:66,529,047, C>T on the plus strand (G>A on the coding strand, the complement: TK2 is on the minus strand). VCF-style: chr16-66529047-C-T. GRCh37 (hg19) VCF-style: chr16-66562950-C-T.
Other names: c.303G>A, p.Met101Ile (NM_001172643.1, NM_001271935.1); c.321G>A, p.Met107Ile (NM_001172644.2); c.342G>A, p.Met114Ile (NM_001172645.2); c.249G>A, p.Met83Ile (NM_001271934.2); c.105G>A, p.Met35Ile (NM_001272050.2); c.396G>A (NM_004614.4); short protein forms M114I, M35I, M101I, M83I, M107I, M132I.
Identifiers: ClinVar variation 1389827 (VCV001389827.6), dbSNP rs765442272, ClinGen allele CA282187744.